The following is an entry in ClinVar:

NM_001354768.3(NRL):c.74G>A (p.Arg25Gln)

Gene: NRL (neural retina leucine zipper; minus strand). Cytogenetic location: 14q11.2.
Variant type: single nucleotide variant.
Coding change: c.74G>A on transcript NM_001354768.3 (MANE Select); coding-DNA position 74, G replaced by A.
Protein change: p.Arg25Gln; replaces arginine 25 with glutamine.
Molecular consequence: missense variant. On other transcripts: intron variant (1).
Genome position (GRCh38, 1-based): chr14:24,082,775, C>T on the plus strand (G>A on the coding strand, the complement: NRL is on the minus strand). VCF-style: chr14-24082775-C-T. GRCh37 (hg19) VCF-style: chr14-24551984-C-T.
Other names: c.74G>A, p.Arg25Gln (NM_001354769.1, NM_006177.5); c.66+8G>A (NM_001354770.2); short protein forms R25Q.
Identifiers: ClinVar variation 2124360 (VCV002124360.7), dbSNP rs774348345, ClinGen allele CA7122930.
Genomic context (GRCh38, chr14:24,082,775, plus strand): 5'-CTGTAAGGTGTGGAGCCCAGTGAGGCTGTAGGGGGGCCAGGTCGGCCCTCAGAGGGTTCC[C>T]GCTTTACCTCAAACTTCATCAAGTCAAAGTCATTGACATATTCCATGGCCAGGGGGCTGG-3'
Protein context (NP_001341697.1, residues 15-35): DFDLMKFEVK[Arg25Gln]EPSEGRPGPP

ClinVar aggregate classification (germline): Conflicting classifications of pathogenicity. Review status: criteria provided, conflicting classifications (1 of 4 stars). 3 submissions from 3 submitters: Likely pathogenic (1); Uncertain significance (2). Last evaluated 2026-01-14.

Conditions:
Retinal dystrophy. Also called: Inherited retinal dystrophy. Identifiers: Orphanet 71862, MedGen C0854723, MeSH D058499, MONDO:0019118, HP:0000556.
Retinitis pigmentosa 27 (RP27). Identifiers: Orphanet 791, MedGen C1834329, MONDO:0013402, OMIM 613750.

Allele frequency attached by ClinVar (database versions not stated): gnomAD 0.00001; TOPMed 0.00002; ExAC 0.00001.
gnomAD v4.1: 19 of 1,614,056 alleles (0.0012%); highest among the groups gnomAD compares: African/African-American, 0.004%; no homozygotes.

Submissions (3):

Dasa
Classification: Uncertain significance for Retinitis pigmentosa 27. Last evaluated: 2026-01-14. Review status: criteria provided, single submitter. Criteria: DASA Assertion Criteria. Collection method: clinical testing. Allele origin: germline.
Comment: NM_001354768.3(NRL):c.74G>A (p.Arg25Gln) is a missense variant that results in the substitution of arginine with glutamine. This variant is rare in population databases. The currently available literature and clinical evidence are not sufficient to establish a definitive association between this variant and the reported condition. Therefore, this variant is classified as a variant of uncertain significance.

Dept Of Ophthalmology, Nagoya University
Classification: Likely pathogenic for Retinal dystrophy. Last evaluated: 2023-10-01. Review status: criteria provided, single submitter. Criteria: Submitter's publication. Collection method: research. Allele origin: germline. Affected: yes.

Labcorp Genetics (formerly Invitae), Labcorp
Classification: Uncertain significance. Last evaluated: 2022-10-13. Review status: criteria provided, single submitter. Criteria: Invitae Variant Classification Sherloc (09022015). Collection method: clinical testing. Allele origin: germline.
Comment: This sequence change replaces arginine, which is basic and polar, with glutamine, which is neutral and polar, at codon 25 of the NRL protein (p.Arg25Gln). In summary, the available evidence is currently insufficient to determine the role of this variant in disease. Therefore, it has been classified as a Variant of Uncertain Significance. Algorithms developed to predict the effect of missense changes on protein structure and function output the following: SIFT: "Tolerated"; PolyPhen-2: "Benign"; Align-GVGD: "Class C0". The glutamine amino acid residue is found in multiple mammalian species, which suggests that this missense change does not adversely affect protein function. This variant has not been reported in the literature in individuals affected with NRL-related conditions. This variant is present in population databases (rs774348345, gnomAD 0.002%).